The following is an entry in ClinVar:

ClinVar aggregate classification (germline): Uncertain significance (1 of 4 stars; one submission).

Conditions:
Neuronal ceroid lipofuscinosis 7 (CLN7). Also called: MFSD8-Related Neuronal Ceroid-Lipofuscinosis. Identifiers: Orphanet 168491, Orphanet 228366, MedGen C1838571, MONDO:0012588, OMIM 610951.

Allele frequency attached by ClinVar (database versions not stated): gnomAD exomes below 0.00001.
gnomAD v4.1: 2 of 1,613,584 alleles (0.00012%); highest among the groups gnomAD compares: Admixed American, 0.0033%; no homozygotes.

Submission:

Labcorp Genetics (formerly Invitae), Labcorp
Classification: Uncertain significance for Neuronal ceroid lipofuscinosis 7. Last evaluated: 2022-03-09. Review status: criteria provided, single submitter. Criteria: Invitae Variant Classification Sherloc (09022015). Collection method: clinical testing. Allele origin: germline.
Comment: This sequence change replaces isoleucine, which is neutral and non-polar, with threonine, which is neutral and polar, at codon 334 of the MFSD8 protein (p.Ile334Thr). This variant is present in population databases (no rsID available, gnomAD 0.003%). This variant has not been reported in the literature in individuals affected with MFSD8-related conditions. Algorithms developed to predict the effect of missense changes on protein structure and function output the following: SIFT: "Tolerated"; PolyPhen-2: "Benign"; Align-GVGD: "Class C0". The threonine amino acid residue is found in multiple mammalian species, which suggests that this missense change does not adversely affect protein function. In summary, the available evidence is currently insufficient to determine the role of this variant in disease. Therefore, it has been classified as a Variant of Uncertain Significance.

NM_001371596.2(MFSD8):c.1001T>C (p.Ile334Thr)

Gene: MFSD8 (major facilitator superfamily domain containing 8; minus strand). Cytogenetic location: 4q28.2.
Variant type: single nucleotide variant.
Coding change: c.1001T>C on transcript NM_001371596.2 (MANE Select); coding-DNA position 1001, T replaced by C.
Protein change: p.Ile334Thr; replaces isoleucine 334 with threonine.
Molecular consequence: missense variant.
Genome position (GRCh38, 1-based): chr4:127,921,961, A>G on the plus strand (T>C on the coding strand, the complement: MFSD8 is on the minus strand). VCF-style: chr4-127921961-A-G. GRCh37 (hg19) VCF-style: chr4-128843116-A-G.
Other names: c.800T>C, p.Ile267Thr (NM_001363520.3); c.686T>C, p.Ile229Thr (NM_001363521.3); c.866T>C, p.Ile289Thr (NM_001371590.2); c.1001T>C, p.Ile334Thr (NM_001371591.2, NM_152778.4); c.1007T>C, p.Ile336Thr (NM_001371592.2); c.887T>C, p.Ile296Thr (NM_001371593.2); c.854T>C, p.Ile285Thr (NM_001371594.2); c.719T>C, p.Ile240Thr (NM_001371595.1); and 1 more; short protein forms I267T, I296T, I334T, I184T, I229T, I285T, I289T, I240T.
Identifiers: ClinVar variation 1909906 (VCV001909906.2), dbSNP rs1232482449, ClinGen allele CA358172115.